The following is an entry in ClinVar:

ClinVar aggregate classification (germline): Uncertain significance (1 of 4 stars; one submission).

Conditions:
Ehlers-Danlos syndrome, classic type, 1 (EDSCL1). Also called: EHLERS-DANLOS SYNDROME, GRAVIS TYPE; EHLERS-DANLOS SYNDROME, SEVERE CLASSIC TYPE; Ehlers-Danlos Syndrome, Classic Type, COL5A1-Related; EDS I; Ehlers-Danlos syndrome, type 1. Identifiers: MedGen C0268335, MONDO:0019567, OMIM 130000.

Submission:

Labcorp Genetics (formerly Invitae), Labcorp
Classification: Uncertain significance for Ehlers-Danlos syndrome, classic type, 1. Last evaluated: 2022-07-19. Review status: criteria provided, single submitter. Criteria: Invitae Variant Classification Sherloc (09022015). Collection method: clinical testing. Allele origin: germline.
Comment: This variant has not been reported in the literature in individuals affected with COL5A2-related conditions. In summary, the available evidence is currently insufficient to determine the role of this variant in disease. Therefore, it has been classified as a Variant of Uncertain Significance. Advanced modeling of protein sequence and biophysical properties (such as structural, functional, and spatial information, amino acid conservation, physicochemical variation, residue mobility, and thermodynamic stability) performed at Invitae indicates that this missense variant is not expected to disrupt COL5A2 protein function. ClinVar contains an entry for this variant (Variation ID: 408294). This variant is not present in population databases (gnomAD no frequency). This sequence change replaces serine, which is neutral and polar, with proline, which is neutral and non-polar, at codon 319 of the COL5A2 protein (p.Ser319Pro).

NM_000393.5(COL5A2):c.955T>C (p.Ser319Pro)

Gene: COL5A2 (collagen type V alpha 2 chain; minus strand). Cytogenetic location: 2q32.2.
Variant type: single nucleotide variant.
Coding change: c.955T>C on transcript NM_000393.5 (MANE Select); coding-DNA position 955, T replaced by C.
Protein change: p.Ser319Pro; replaces serine 319 with proline.
Molecular consequence: missense variant.
Genome position (GRCh38, 1-based): chr2:189,079,983, A>G on the plus strand (T>C on the coding strand, the complement: COL5A2 is on the minus strand). VCF-style: chr2-189079983-A-G. GRCh37 (hg19) VCF-style: chr2-189944709-A-G.
Other names: short protein forms S319P.
Identifiers: ClinVar variation 408294 (VCV000408294.10), dbSNP rs1060501908, ClinGen allele CA16610684.
Genomic context (GRCh38, chr2:189,079,983, plus strand): 5'-TGAAGCAAAACTAAGATGCCAAAGTGAGGTTACAGTGAGATAATTATAAGATTACCTTGG[A>G]ACCAGGTGCTCCAACTTCACCTTTAGGGCCTTCAAGACCTTTGTGTCCCTGAGAATAAAA-3'
Protein context (NP_000384.2, residues 309-329): GPKGEVGAPG[Ser319Pro]KGEAGPTGPM